The following is an entry in ClinVar:

ClinVar aggregate classification (germline): Uncertain significance. Review status: criteria provided, multiple submitters, no conflicts (2 of 4 stars). 3 submissions from 3 submitters: Uncertain significance (3). Last evaluated 2025-11-19.

Conditions:
Inborn genetic diseases. Identifiers: MedGen C0950123, MeSH D030342.

Allele frequency attached by ClinVar (database versions not stated): gnomAD exomes 0.00002; ExAC 0.00005; 1000 Genomes Project 0.00020; 1000 Genomes Project 30x 0.00031.
gnomAD v4.1: 32 of 1,614,160 alleles (0.002%); highest among the groups gnomAD compares: South Asian, 0.0044%; no homozygotes.

Submissions (3):

Ambry Genetics
Classification: Uncertain significance for Inborn genetic diseases. Last evaluated: 2025-11-19. Review status: criteria provided, single submitter. Criteria: Ambry Variant Classification Scheme 2023. Collection method: clinical testing. Allele origin: germline.

Labcorp Genetics (formerly Invitae), Labcorp
Classification: Uncertain significance. Last evaluated: 2025-07-31. Review status: criteria provided, single submitter. Criteria: Invitae Variant Classification Sherloc (09022015). Collection method: clinical testing. Allele origin: germline.
Comment: This sequence change replaces arginine, which is basic and polar, with histidine, which is basic and polar, at codon 1254 of the C3 protein (p.Arg1254His). This variant is present in population databases (rs571907143, gnomAD 0.007%). This missense change has been observed in individual(s) with IgA nephropathy (PMID: 35685318). ClinVar contains an entry for this variant (Variation ID: 2397781). Invitae Evidence Modeling of protein sequence and biophysical properties (such as structural, functional, and spatial information, amino acid conservation, physicochemical variation, residue mobility, and thermodynamic stability) indicates that this missense variant is not expected to disrupt C3 protein function with a negative predictive value of 80%. In summary, the available evidence is currently insufficient to determine the role of this variant in disease. Therefore, it has been classified as a Variant of Uncertain Significance.

Blueprint Genetics
Classification: Uncertain significance. Last evaluated: 2024-08-14. Review status: criteria provided, single submitter. Criteria: ACMG Guidelines, 2015. Collection method: clinical testing. Allele origin: germline.

Literature cited by the submitters: PubMed 35685318 (cited by Labcorp Genetics (formerly Invitae), Labcorp).

NM_000064.4(C3):c.3761G>A (p.Arg1254His)

Gene: C3 (complement C3; minus strand). Cytogenetic location: 19p13.3.
Variant type: single nucleotide variant.
Coding change: c.3761G>A on transcript NM_000064.4 (MANE Select); coding-DNA position 3761, G replaced by A.
Protein change: p.Arg1254His; replaces arginine 1254 with histidine.
Molecular consequence: missense variant.
Genome position (GRCh38, 1-based): chr19:6,686,173, C>T on the plus strand (G>A on the coding strand, the complement: C3 is on the minus strand). VCF-style: chr19-6686173-C-T. GRCh37 (hg19) VCF-style: chr19-6686184-C-T.
Other names: short protein forms R1254H.
Identifiers: ClinVar variation 2397781 (VCV002397781.7), dbSNP rs571907143, ClinGen allele CA9128642.
Genomic context (GRCh38, chr19:6,686,173, plus strand): 5'-GGCCCACTTGCCTGGGTAGAGCCATAGCCACCACCGTAGTATCTCTGTTCATTGAGCCAA[C>T]GCACGACGGGAGGCACAAAGTCAAAGTCTTTTAGCTGCAGTAGGGCCAAGAGGGCATAGG-3'
Protein context (NP_000055.2, residues 1244-1264): KDFDFVPPVV[Arg1254His]WLNEQRYYGG